The following is an entry in ClinVar:

NM_001349338.3(FOXP1):c.1147-25_1161dup

Gene: FOXP1 (forkhead box P1; minus strand). Cytogenetic location: 3p13.
Variant type: Duplication.
Coding change: c.1147-25_1161dup on transcript NM_001349338.3 (MANE Select); 25 bases into the intron before coding-DNA position 1147 through coding-DNA position 1161, 40 bases duplicated.
Molecular consequence: splice acceptor variant.
Genome position (GRCh38, 1-based): chr3:70,978,015-70,978,054, 40 bases duplicated. GRCh37 (hg19): chr3:71,027,166-71,027,205.
Other names: c.1147-25_1161dup (NM_001244810.2, NM_032682.6, NM_001349340.3 and 3 more transcripts); c.1144-25_1158dup (NM_001349341.3); c.919-25_933dup (NM_001244812.3); c.844-25_858dup (NM_001349343.3, NM_001349337.2, NM_001349344.3); c.847-25_861dup (NM_001349342.3, NM_001370548.1, NM_001244815.2 and 1 more transcripts).
Identifiers: ClinVar variation 3392487 (VCV003392487.2).
Genomic context (GRCh38, chr3:70,978,014, plus strand): 5'-TTGGAGTATGAGGTAAGCTCTGTGGAGAAGCCTCCGATGCGGACTTGGAGAGAGTGACAC[T>TTGATACCAGATTCAACTGCAAGGAAAAAAACAACGTCTTA]TGATACCAGATTCAACTGCAAGGAAAAAAACAACGTCTTAGAAGACCTTCAGAAAACCAG-3'

ClinVar aggregate classification (germline): Uncertain significance (1 of 4 stars; one submission).

Conditions:
Intellectual disability-severe speech delay-mild dysmorphism syndrome (IDDLA). Also called: Intellectual developmental disorder with language impairment AND with or without autistic features; FOXP1 Syndrome; Mental retardation with language impairment and autistic features. Identifiers: Orphanet 391372, MedGen C4013764, MONDO:0013352, OMIM 613670.

Submission:

Juno Genomics, Hangzhou Juno Genomics, Inc
Classification: Uncertain significance for Intellectual disability-severe speech delay-mild dysmorphism syndrome. Review status: criteria provided, single submitter. Criteria: ACMG Guidelines, 2015. Collection method: clinical testing. Allele origin: germline. Affected: yes.
Comment: Absent from controls (or at extremely low frequency if recessive) in Genome Aggregation Database, Exome Sequencing Project, 1000 Genomes Project, or Exome Aggregation Consortium.;Null variant in a gene where loss of function (LOF) is a known mechanism of disease.